The following is an entry in ClinVar:

ClinVar aggregate classification (germline): Uncertain significance (1 of 4 stars; one submission).

Conditions:
Hereditary cancer-predisposing syndrome. Also called: Neoplastic Syndromes, Hereditary; Tumor predisposition; Hereditary neoplastic syndrome; Hereditary Cancer Syndrome. Identifiers: Orphanet 140162, MedGen C0027672, MeSH D009386, MONDO:0015356.
Cardiovascular phenotype. Identifiers: MedGen CN230736.

Submission:

Ambry Genetics
Classification: Uncertain significance for Cardiovascular phenotype; Hereditary cancer-predisposing syndrome. Last evaluated: 2023-01-21. Review status: criteria provided, single submitter. Criteria: Ambry Variant Classification Scheme 2023. Collection method: clinical testing. Allele origin: germline.
Comment: The p.T2736A variant (also known as c.8206A>G), located in coding exon 56 of the NF1 gene, results from an A to G substitution at nucleotide position 8206. The threonine at codon 2736 is replaced by alanine, an amino acid with similar properties. This amino acid position is conserved. In addition, this alteration is predicted to be tolerated by in silico analysis. Since supporting evidence is limited at this time, the clinical significance of this alteration remains unclear.

NM_001042492.3(NF1):c.8269A>G (p.Thr2757Ala)

Gene: NF1 (neurofibromin 1; plus strand). Cytogenetic location: 17q11.2.
Variant type: single nucleotide variant.
Coding change: c.8269A>G on transcript NM_001042492.3 (MANE Select); coding-DNA position 8269, A replaced by G.
Protein change: p.Thr2757Ala; replaces threonine 2757 with alanine.
Molecular consequence: missense variant.
Genome position (GRCh38, 1-based): chr17:31,360,595, A>G. VCF-style: chr17-31360595-A-G. GRCh37 (hg19) VCF-style: chr17-29687613-A-G.
Other names: c.8206A>G, p.Thr2736Ala (NM_000267.4); short protein forms T2736A, T2757A.
Identifiers: ClinVar variation 2452289 (VCV002452289.2), dbSNP rs2151587986, ClinGen allele CA399204758.
Genomic context (GRCh38, chr17:31,360,595, plus strand): 5'-GCCTTGATTGACACGTACCTGCCTGGAATTGATGAAGAAACCAGTGAAGAATCCCTCCTG[A>G]CTCCCACATCTCCTTACCCTCCTGCACTGCAGAGCCAGCTTAGTATCACTGCCAACCTTA-3'
Protein context (NP_001035957.1, residues 2747-2767): DEETSEESLL[Thr2757Ala]PTSPYPPALQ